The following is an entry in ClinVar:

NM_000284.4(PDHA1):c.619G>C (p.Ala207Pro)

Gene: PDHA1 (pyruvate dehydrogenase E1 subunit alpha 1; plus strand). Cytogenetic location: Xp22.12.
Variant type: single nucleotide variant.
Coding change: c.619G>C on transcript NM_000284.4 (MANE Select); coding-DNA position 619, G replaced by C.
Protein change: p.Ala207Pro; replaces alanine 207 with proline.
Molecular consequence: missense variant.
Genome position (GRCh38, 1-based): chrX:19,355,364, G>C. VCF-style: chrX-19355364-G-C. GRCh37 (hg19) VCF-style: chrX-19373482-G-C.
Other names: c.733G>C, p.Ala245Pro (NM_001173454.2); c.640G>C, p.Ala214Pro (NM_001173455.2); c.526G>C, p.Ala176Pro (NM_001173456.2); short protein forms A176P, A207P, A214P, A245P.
Identifiers: ClinVar variation 4070348 (VCV004070348.1).

ClinVar aggregate classification (germline): Likely pathogenic (0 of 4 stars; one submission).

Conditions:
Pyruvate dehydrogenase E1-alpha deficiency (PDHAD). Also called: ATAXIA, INTERMITTENT, WITH PYRUVATE DEHYDROGENASE DEFICIENCY; ATAXIA WITH LACTIC ACIDOSIS I; ATAXIA, INTERMITTENT, WITH ABNORMAL PYRUVATE METABOLISM; Ataxia, intermittent, with pyruvate dehydrogenase, or decarboxylase, deficiency. Identifiers: Orphanet 79243, MedGen C1839413, MONDO:0010717, OMIM 312170.

Submission:

PDHA1 Study Group, University Children’s Hospital, Paracelsus Medical University
Classification: Likely pathogenic for Pyruvate dehydrogenase E1-alpha deficiency. Last evaluated: 2024-10-15. Review status: no assertion criteria provided. Collection method: research. Allele origin: de novo. Affected: yes. Observed: 1 variant allele.
Comment: The NM_000284.3:c.619G>C (p.Ala207Pro) substitution is a missense variant in PDHA1 gene. Among them, 1 case had confirmed de novo occurrence. Last literature search: July 12, 2024. This variant is absent or extremely rare in population-based cohorts in the Genome Aggregation Database (gnomAD). Individuals harboring this variant presented with clinical features compatible with PDHA1-related PDHc deficiency. In summary, this variant meets criteria to be classified as likely pathogenic (LP) for PDHA1-related PDHc deficiency based on the ACMG/AMP criteria applied: PM1, PM2, PP3, PP4 (last assessment October 15, 2024).

Literature cited by the submitters: DOI 10.1093/brain/awaf430.